The following is an entry in ClinVar:

NM_006059.4(LAMC3):c.3470_3483delinsGGTGCT (p.Thr1157fs)

Gene: LAMC3 (laminin subunit gamma 3; plus strand). Cytogenetic location: 9q34.12.
Variant type: Indel.
Coding change: c.3470_3483delinsGGTGCT on transcript NM_006059.4 (MANE Select); coding-DNA positions 3470 to 3483, CAGAGGCCCGTGCC replaced by GGTGCT.
Protein change: p.Thr1157fs; shifts the reading frame from threonine 1157.
Molecular consequence: frameshift variant.
Genome position (GRCh38, 1-based): chr9:131,073,297-131,073,310, CAGAGGCCCGTGCC replaced by GGTGCT. VCF-style: chr9-131073297-CAGAGGCCCGTGCC-GGTGCT. GRCh37 (hg19) VCF-style: chr9-133948684-CAGAGGCCCGTGCC-GGTGCT.
Other names: short protein forms T1157fs.
Identifiers: ClinVar variation 3377536 (VCV003377536.3).

ClinVar aggregate classification (germline): Likely pathogenic. Review status: criteria provided, multiple submitters, no conflicts (2 of 4 stars). 2 submissions from 2 submitters: Likely pathogenic (2). Last evaluated 2026-08-03.

Conditions:
Occipital pachygyria and polymicrogyria. Identifiers: Orphanet 280640, MedGen C3279875, MONDO:0013583, OMIM 614115.

Submissions (2):

Genelabs Medical  (pvt) Ltd
Classification: Likely pathogenic for Occipital pachygyria and polymicrogyria. Last evaluated: 2026-08-03. Review status: criteria provided, single submitter. Criteria: ACMG Guidelines, 2015. Collection method: clinical testing. Allele origin: germline. Inheritance: Autosomal recessive inheritance. Affected: no. Observed: 1 heterozygote.
Comment: The complex frameshift variant NM_006059.4(LAMC3):c.3470_3483delinsGGTGCT (p.Thr1157Argfs*72) results in a frameshift beginning at codon 1157 and introduces a premature termination codon 72 amino acids downstream. The variant is located in exon 20 of 28 and is predicted to undergo nonsense-mediated decay (NMD), likely resulting in loss of functional LAMC3 protein. LAMC3 has a definitive gene-disease association with occipital pachygyria and polymicrogyria, as curated by GenCC, with loss-of-function established as a disease mechanism. Consistent with this mechanism, 97 pathogenic or likely pathogenic loss-of-function variants have been reported in LAMC3, including 11 downstream truncating variants, supporting intolerance to protein truncation. The variant is absent from population databases. Based on the cumulative evidence, this variant is classified as Likely Pathogenic. (PVS1, PM2_Supporting)

Neuberg Centre For Genomic Medicine, NCGM
Classification: Likely pathogenic for Occipital pachygyria and polymicrogyria. Last evaluated: 2023-07-22. Review status: criteria provided, single submitter. Criteria: ACMG Guidelines, 2015. Collection method: clinical testing. Allele origin: germline. Inheritance: Autosomal recessive inheritance. Affected: yes.
Comment: The observed frameshift c.3470_3471delp.Thr1157ArgfsTer74 variant in LAMC3 gene has not been reported previously as a pathogenic variant nor as a benign variant, to our knowledge. This variant is reported with the allele frequency of 0.0003% in the gnomAD Exomes. This variant causes a frameshift starting with codon Threonine 1157, changes this amino acid to Arginine residue, and creates a premature Stop codon at position 74 of the new reading frame, denoted p.Thr1157ArgfsTer74. This variant is predicted to cause loss of normal protein function through protein truncation. Loss of function variants have been previously reported to be disease causing. For these reasons, this variant has been classified as Likely Pathogenic.